The following is an entry in ClinVar:

NM_001040108.2(MLH3):c.3466-8C>T

Gene: MLH3 (mutL homolog 3; minus strand). Cytogenetic location: 14q24.3.
Variant type: single nucleotide variant.
Coding change: c.3466-8C>T on transcript NM_001040108.2 (MANE Select); 8 bases into the intron before coding-DNA position 3466, C replaced by T.
Molecular consequence: intron variant.
Genome position (GRCh38, 1-based): chr14:75,040,023, G>A on the plus strand (C>T on the coding strand, the complement: MLH3 is on the minus strand). VCF-style: chr14-75040023-G-A. GRCh37 (hg19) VCF-style: chr14-75506726-G-A.
Other names: c.3466-8C>T (NM_014381.3).
Identifiers: ClinVar variation 4875990 (VCV004875990.1).

ClinVar aggregate classification (germline): Likely benign (1 of 4 stars; one submission).

Conditions:
Colorectal cancer, hereditary nonpolyposis, type 7. Identifiers: Orphanet 144, MedGen C1858380, MONDO:0013725, OMIM 614385.

gnomAD v4.1: 3 of 1,463,830 alleles (0.0002%); highest among the groups gnomAD compares: Non-Finnish European, 0.00029%; no homozygotes.

Submission:

Myriad Genetics, Inc.
Classification: Likely benign for Colorectal cancer, hereditary nonpolyposis, type 7. Last evaluated: 2026-04-28. Review status: criteria provided, single submitter. Criteria: Myriad Autosomal Dominant, Autosomal Recessive and X-Linked Classification Criteria (2023). Collection method: clinical testing. Allele origin: unknown.
Comment: This variant is considered likely benign. This variant is intronic and is not expected to impact mRNA splicing.